The following is an entry in ClinVar:

NM_004456.5(EZH2):c.117+4T>C

Gene: EZH2 (enhancer of zeste 2 polycomb repressive complex 2 subunit; minus strand). Cytogenetic location: 7q36.1.
Variant type: single nucleotide variant.
Coding change: c.117+4T>C on transcript NM_004456.5 (MANE Select); 4 bases into the intron after coding-DNA position 117, T replaced by C.
Molecular consequence: intron variant.
Genome position (GRCh38, 1-based): chr7:148,847,178, A>G on the plus strand (T>C on the coding strand, the complement: EZH2 is on the minus strand). VCF-style: chr7-148847178-A-G. GRCh37 (hg19) VCF-style: chr7-148544270-A-G.
Other names: c.117+4T>C (NM_001203248.2, NM_152998.3, NM_001203247.2 and 1 more transcripts).
Identifiers: ClinVar variation 1020041 (VCV001020041.7), dbSNP rs1814379605, ClinGen allele CA1751429551.

ClinVar aggregate classification (germline): Uncertain significance (1 of 4 stars; one submission).

Conditions:
Weaver syndrome (WVS). Also called: Weaver Smith syndrome; Overgrowth syndrome with accelerated skeletal maturation, unusual facies, and camptodactyly. Identifiers: Orphanet 3447, MedGen C0265210, MONDO:0010193, OMIM 277590.

gnomAD v4.1: 11 of 1,603,508 alleles (0.00069%); highest among the groups gnomAD compares: Non-Finnish European, 0.00093%; no homozygotes.

Submission:

Labcorp Genetics (formerly Invitae), Labcorp
Classification: Uncertain significance for Weaver syndrome. Last evaluated: 2020-07-13. Review status: criteria provided, single submitter. Criteria: Invitae Variant Classification Sherloc (09022015). Collection method: clinical testing. Allele origin: germline.
Comment: This variant has not been reported in the literature in individuals with EZH2-related conditions. In summary, the available evidence is currently insufficient to determine the role of this variant in disease. Therefore, it has been classified as a Variant of Uncertain Significance. Nucleotide substitutions within the consensus splice site are a relatively common cause of aberrant splicing (PMID: 17576681, 9536098). Algorithms developed to predict the effect of sequence changes on RNA splicing suggest that this variant is not likely to affect RNA splicing, but this prediction has not been confirmed by published transcriptional studies. This variant is not present in population databases (ExAC no frequency). This sequence change falls in intron 2 of the EZH2 gene. It does not directly change the encoded amino acid sequence of the EZH2 protein, but it affects a nucleotide within the consensus splice site of the intron.

Literature cited by the submitters: PubMed 17576681; PubMed 9536098.